The following is an entry in ClinVar:

ClinVar aggregate classification (germline): Likely pathogenic (1 of 4 stars; one submission).

Conditions:
WDR11-related disorder. Also called: WDR11-related condition.

Allele frequency attached by ClinVar (database versions not stated): ExAC 0.00001.

Submission:

PreventionGenetics, part of Exact Sciences
Classification: Likely pathogenic for WDR11-related condition. Last evaluated: 2023-08-24. Review status: criteria provided, single submitter. Criteria: ACMG Guidelines, 2015. Collection method: clinical testing. Allele origin: germline.
Comment: The WDR11 c.352+1G>A variant is predicted to disrupt the GT donor site and interfere with normal splicing. To our knowledge, this variant has not been reported in the literature. This variant is reported in one individuals of African descent in gnomAD. Variants that disrupt the consensus splice donor site in WDR11 are expected to be pathogenic. This variant is interpreted as likely pathogenic.

NM_018117.12(WDR11):c.352+1G>A

Gene: WDR11 (WD repeat domain 11; plus strand). Cytogenetic location: 10q26.12.
Variant type: single nucleotide variant.
Coding change: c.352+1G>A on transcript NM_018117.12 (MANE Select); the canonical splice donor site of the intron after coding-DNA position 352, G replaced by A.
Molecular consequence: splice donor variant.
Genome position (GRCh38, 1-based): chr10:120,858,797, G>A. VCF-style: chr10-120858797-G-A. GRCh37 (hg19) VCF-style: chr10-122618309-G-A.
Identifiers: ClinVar variation 2631485 (VCV002631485.1), dbSNP rs775474626, ClinGen allele CA5719411.